The following is an entry in ClinVar:

ClinVar aggregate classification (germline): Benign/Likely benign. Review status: criteria provided, multiple submitters, no conflicts (2 of 4 stars). 9 submissions from 9 submitters: Benign (6); Likely benign (1). 2 of the submissions do not count toward it. Last evaluated 2026-02-02.

Conditions:
Factor VII deficiency. Also called: F7 DEFICIENCY; HYPOPROCONVERTINEMIA; Factor 7 deficiency. Identifiers: MedGen C0015503, MeSH D005168, MONDO:0002244.

Allele frequency attached by ClinVar (database versions not stated): gnomAD 0.12147 and 0.12594; ESP Exome Variant Server 0.12287; TOPMed 0.12945; 1000 Genomes Project 0.14557; 1000 Genomes Project 30x 0.14600.
gnomAD v4.1: 203,172 of 1,613,076 alleles (13%); highest among the groups gnomAD compares: South Asian, 28%; 14,626 homozygotes.

Submissions (9):

Labcorp Genetics (formerly Invitae), Labcorp
Classification: Benign. Last evaluated: 2026-02-02. Review status: criteria provided, single submitter. Criteria: Invitae Variant Classification Sherloc (09022015). Collection method: clinical testing. Allele origin: germline.

Blueprint Genetics
Classification: Likely benign. Last evaluated: 2024-11-27. Review status: criteria provided, single submitter. Criteria: ACMG Guidelines, 2015. Collection method: clinical testing. Allele origin: germline.

GeneDx
Classification: Benign. Last evaluated: 2019-11-20. Review status: criteria provided, single submitter. Criteria: GeneDx Variant Classification Process June 2021. Collection method: clinical testing. Allele origin: germline. Affected: yes.

Illumina Laboratory Services, Illumina
Classification: Benign for Congenital factor VII deficiency. Last evaluated: 2018-01-13. Review status: criteria provided, single submitter. Criteria: ICSL Variant Classification Criteria 13 December 2019. Collection method: clinical testing. Allele origin: germline.
Comment: This variant was observed in the ICSL laboratory as part of a predisposition screen in an ostensibly healthy population. It had not been previously curated by ICSL or reported in the Human Gene Mutation Database (HGMD: prior to June 1st, 2018), and was therefore a candidate for classification through an automated scoring system. Utilizing variant allele frequency, disease prevalence and penetrance estimates, and inheritance mode, an automated score was calculated to assess if this variant is too frequent to cause the disease. Based on the score and internal cut-off values, a variant classified as benign is not then subjected to further curation. The score for this variant resulted in a classification of benign for this disease.

Mayo Clinic Laboratories, Mayo Clinic
Classification: Benign. Last evaluated: 2016-05-26. Review status: criteria provided, single submitter. Criteria: ACMG Guidelines, 2015. Collection method: clinical testing. Allele origin: germline. Observed: 241 variant alleles.

Breakthrough Genomics
Classification: Benign. Review status: criteria provided, single submitter. Criteria: ACMG Guidelines, 2015. Collection method: not provided. Allele origin: germline. Inheritance: Autosomal recessive inheritance. Affected: yes.

PreventionGenetics, part of Exact Sciences
Classification: Benign. Review status: criteria provided, single submitter. Criteria: ACMG Guidelines, 2015. Collection method: clinical testing. Allele origin: germline.

Diagnostic Laboratory, Department of Genetics, University Medical Center Groningen
Classification: Benign. Review status: no assertion criteria provided. Collection method: clinical testing. Allele origin: germline. Affected: yes. Study: VKGL Data-share Consensus. Not counted in ClinVar's aggregate classification.

Joint Genome Diagnostic Labs from Nijmegen and Maastricht, Radboudumc and MUMC+
Classification: Benign. Review status: no assertion criteria provided. Collection method: clinical testing. Allele origin: germline. Affected: yes. Study: VKGL Data-share Consensus. Not counted in ClinVar's aggregate classification.

NM_019616.4(F7):c.459C>T (p.His153=)

Gene: F7 (coagulation factor VII; plus strand). Cytogenetic location: 13q34.
Variant type: single nucleotide variant.
Coding change: c.459C>T on transcript NM_019616.4 (MANE Select); coding-DNA position 459, C replaced by T.
Protein change: p.His153=; no amino-acid change (histidine 153 retained).
Molecular consequence: synonymous variant. On other transcripts: non-coding transcript variant (1).
Genome position (GRCh38, 1-based): chr13:113,115,754, C>T. VCF-style: chr13-113115754-C-T. GRCh37 (hg19) VCF-style: chr13-113770068-C-T.
Other names: p.His175=; c.525C>T, p.His175= (NM_000131.5); c.273C>T, p.His91= (NM_001267554.2).
Identifiers: ClinVar variation 255218 (VCV000255218.15), dbSNP rs6042, ClinGen allele CA7059976.